The following is an entry in ClinVar:

ClinVar aggregate classification (germline): Uncertain significance (1 of 4 stars; one submission).

Allele frequency attached by ClinVar (database versions not stated): gnomAD exomes below 0.00001; ExAC 0.00001.
gnomAD v4.1: 6 of 1,614,048 alleles (0.00037%); highest among the groups gnomAD compares: Non-Finnish European, 0.00034%; no homozygotes.

Submission:

Labcorp Genetics (formerly Invitae), Labcorp
Classification: Uncertain significance. Last evaluated: 2022-03-11. Review status: criteria provided, single submitter. Criteria: Invitae Variant Classification Sherloc (09022015). Collection method: clinical testing. Allele origin: germline.
Comment: This sequence change replaces isoleucine, which is neutral and non-polar, with threonine, which is neutral and polar, at codon 125 of the TMEM230 protein (p.Ile125Thr). In summary, the available evidence is currently insufficient to determine the role of this variant in disease. Therefore, it has been classified as a Variant of Uncertain Significance. Algorithms developed to predict the effect of sequence changes on RNA splicing suggest that this variant may create or strengthen a splice site. Algorithms developed to predict the effect of missense changes on protein structure and function are either unavailable or do not agree on the potential impact of this missense change (SIFT: "Deleterious"; PolyPhen-2: "Benign"; Align-GVGD: "Class C35"). This variant has not been reported in the literature in individuals affected with TMEM230-related conditions. This variant is present in population databases (rs751176075, gnomAD 0.003%).

NM_001009925.2(TMEM230):c.185T>C (p.Ile62Thr)

Gene: TMEM230 (transmembrane protein 230; minus strand). Cytogenetic location: 20p12.3.
Variant type: single nucleotide variant.
Coding change: c.185T>C on transcript NM_001009925.2 (MANE Select); coding-DNA position 185, T replaced by C.
Protein change: p.Ile62Thr; replaces isoleucine 62 with threonine.
Molecular consequence: missense variant.
Genome position (GRCh38, 1-based): chr20:5,106,225, A>G on the plus strand (T>C on the coding strand, the complement: TMEM230 is on the minus strand). VCF-style: chr20-5106225-A-G. GRCh37 (hg19) VCF-style: chr20-5086871-A-G.
Other names: c.185T>C, p.Ile62Thr (NM_001009924.2, NM_001330984.2, NM_001330985.2 and 4 more transcripts); short protein forms I62T.
Identifiers: ClinVar variation 1958257 (VCV001958257.5), dbSNP rs751176075, ClinGen allele CA9753405.
Genomic context (GRCh38, chr20:5,106,225, plus strand): 5'-TTCCCACATGCCCGTCAGCTTACCCCTTTGCTGATGTAGCCTGACAGCAGGAGGGAGCCT[A>G]TAATAATGAGAAAGGCGCCAATCAAAAACAGCACAGTGGCAAGTGCGATGGCCTTATAAG-3'
Protein context (NP_001009925.1, residues 52-72): LFLIGAFLII[Ile62Thr]GSLLLSGYIS